The following is an entry in ClinVar:

NM_001190274.2(FBXO11):c.149_181dup (p.Pro60_Pro61insGlnGlnGlnGlnGlnGlnGlnProProProPro)

Gene: FBXO11 (F-box protein 11; minus strand). Cytogenetic location: 2p16.3.
Variant type: Duplication.
Coding change: c.149_181dup on transcript NM_001190274.2 (MANE Select); coding-DNA positions 149 to 181, 33 bases duplicated.
Protein change: p.Pro60_Pro61insGlnGlnGlnGlnGlnGlnGlnProProProPro.
Genome position (GRCh38, 1-based): chr2:47,905,540-47,905,572, 33 bases duplicated; duplicating any 33 consecutive bases within chr2:47,905,540-47,905,582 gives the same sequence; the c. name uses the placement nearest the transcript's 3' end. GRCh37 (hg19): chr2:48,132,689-48,132,721.
Identifiers: ClinVar variation 3692554 (VCV003692554.2).
Genomic context (GRCh38, chr2:47,905,539, plus strand): 5'-GCGGCCTTACCCCGCTCGCCGACGTTGTTCCGCTCCTGAGGCAGCGGCGGAGGCGGCGGT[G>GGCGGCGGCGGAGGCTGCTGCTGCTGCTGCTGCT]GCGGCGGCGGAGGCTGCTGCTGCTGCTGCTGCTGCGGCGGCGGCGGAGGCTGCTGCTGGG-3'

ClinVar aggregate classification (germline): Uncertain significance (1 of 4 stars; one submission).

Submission:

Labcorp Genetics (formerly Invitae), Labcorp
Classification: Uncertain significance. Last evaluated: 2024-09-06. Review status: criteria provided, single submitter. Criteria: Invitae Variant Classification Sherloc (09022015). Collection method: clinical testing. Allele origin: germline.
Comment: This variant, c.149_181dup, results in the insertion of 11 amino acid(s) of the FBXO11 protein (p.Gln50_Pro60dup), but otherwise preserves the integrity of the reading frame. This variant is not present in population databases (gnomAD no frequency). This variant has not been reported in the literature in individuals affected with FBXO11-related conditions. In summary, the available evidence is currently insufficient to determine the role of this variant in disease. Therefore, it has been classified as a Variant of Uncertain Significance.